The following is an entry in ClinVar:

NM_006516.4(SLC2A1):c.1399_1405dup (p.Gln469fs)

Gene: SLC2A1 (solute carrier family 2 member 1; minus strand). Cytogenetic location: 1p34.2.
Variant type: Microsatellite.
Coding change: c.1399_1405dup on transcript NM_006516.4 (MANE Select); coding-DNA positions 1399 to 1405, 7 bases duplicated (TTCCGGC; older notation c.1399_1405dupTTCCGGC).
Protein change: p.Gln469fs; shifts the reading frame from glutamine 469.
Molecular consequence: frameshift variant.
Genome position (GRCh38, 1-based): chr1:42,927,115-42,927,121, GCCGGAA duplicated on the plus strand (TTCCGGC on the coding strand, the reverse complement: SLC2A1 is on the minus strand); duplicating any 7 consecutive bases within chr1:42,927,115-42,927,130 gives the same sequence; the c. name uses the placement nearest the transcript's 3' end. VCF-style (leftmost placement, unchanged base first): chr1-42927114-T-TGCCGGAA. GRCh37 (hg19) VCF-style: chr1-43392785-T-TGCCGGAA.
Other names: short protein forms Q469fs.
Identifiers: ClinVar variation 589970 (VCV000589970.6), dbSNP rs1264369249, ClinGen allele CA522495908.

ClinVar aggregate classification (germline): Pathogenic (1 of 4 stars; one submission).

Conditions:
Inborn genetic diseases. Identifiers: MedGen C0950123, MeSH D030342.

Submission:

Ambry Genetics
Classification: Pathogenic for Inborn genetic diseases. Last evaluated: 2016-11-22. Review status: criteria provided, single submitter. Criteria: Ambry Variant Classification Scheme 2023. Collection method: clinical testing. Allele origin: germline.
Comment: The c.1399_1405dupTTCCGGC pathogenic mutation, located in coding exon 10 of the SLC2A1 gene, results from a duplication of TTCCGGC at nucleotide positions 1399 to 1405, causing a translational frameshift with a predicted alternate stop codon (p.Q469Lfs*10). The frameshift mutation removes codon 485, which was mutated in a patient with intractable infantile-onset epilepsy and mild developmental delay; the patient had a de novo p.P485L (also known as c.1454C>T) mutation (Slaughter L et al. Epilepsy Res., 2009 Apr;84:254-6). This mutation also removes the type I PDZ binding motif, located in the carboxy terminus of the SLC2A1 (GLUT1) protein; the motif is critical for regulation of SLC2A1 localization, degradation, trafficking, and transport activity (Reed BC et al. Mol. Biol. Cell, 2005 Sep;16:4183-201; Wieman HL et al. Biochem. J., 2009 Mar;418:345-67; Andrisse S et al. PLoS ONE, 2013 Jun;8:e66027; Steinberg F et al. Nat. Cell Biol., 2013 May;15:461-71). In addition to the clinical data presented in the literature, this mutation is expected to result in loss of function by premature protein truncation or nonsense-mediated mRNA decay. As such, this alteration is interpreted as a disease-causing mutation.

Literature cited by the submitters: PubMed 10198040; PubMed 15975910; PubMed 19016655; PubMed 19237265; PubMed 23563491; PubMed 23776597.